The following is an entry in ClinVar:

NM_032043.3(BRIP1):c.3694A>G (p.Lys1232Glu)

Gene: BRIP1 (BRCA1 interacting DNA helicase 1; minus strand). Cytogenetic location: 17q23.2.
Variant type: single nucleotide variant.
Coding change: c.3694A>G on transcript NM_032043.3 (MANE Select); coding-DNA position 3694, A replaced by G.
Protein change: p.Lys1232Glu; replaces lysine 1232 with glutamic acid.
Molecular consequence: missense variant.
Genome position (GRCh38, 1-based): chr17:61,683,352, T>C on the plus strand (A>G on the coding strand, the complement: BRIP1 is on the minus strand). VCF-style: chr17-61683352-T-C. GRCh37 (hg19) VCF-style: chr17-59760713-T-C.
Other names: short protein forms K1232E.
Identifiers: ClinVar variation 2121738 (VCV002121738.4), dbSNP rs2144067292, ClinGen allele CA400477809.
Genomic context (GRCh38, chr17:61,683,352, plus strand): 5'-ATTATTACTTAAAACCAGGAAACATGCCTTTATTTTTGGAAGGAGATGGTTTAAAGTTCT[T>C]TATTTCTATTTCATGAGTTTTTCCCAGTTCCAGTTCATTTATCCAAGTTGTTTTTACATT-3'
Protein context (NP_114432.2, residues 1222-1242): ELGKTHEIEI[Lys1232Glu]NFKPSPSKNK

ClinVar aggregate classification (germline): Uncertain significance (1 of 4 stars; one submission).

Conditions:
Fanconi anemia complementation group J. Also called: BRIP1-Related Fanconi Anemia. Identifiers: Orphanet 84, MedGen C1836860, MONDO:0012187, OMIM 609054.
Familial cancer of breast. Also called: BREAST CANCER, FAMILIAL; hereditary breast carcinoma; Hereditary breast cancer. Identifiers: Orphanet 227535, MedGen C0346153, MONDO:0016419, OMIM 114480. Disease mechanism: loss of function.

Submission:

Labcorp Genetics (formerly Invitae), Labcorp
Classification: Uncertain significance for Familial cancer of breast; Fanconi anemia complementation group J. Last evaluated: 2022-04-05. Review status: criteria provided, single submitter. Criteria: Invitae Variant Classification Sherloc (09022015). Collection method: clinical testing. Allele origin: germline.
Comment: This sequence change replaces lysine, which is basic and polar, with glutamic acid, which is acidic and polar, at codon 1232 of the BRIP1 protein (p.Lys1232Glu). This variant is not present in population databases (gnomAD no frequency). This variant has not been reported in the literature in individuals affected with BRIP1-related conditions. Algorithms developed to predict the effect of missense changes on protein structure and function (SIFT, PolyPhen-2, Align-GVGD) all suggest that this variant is likely to be tolerated. In summary, the available evidence is currently insufficient to determine the role of this variant in disease. Therefore, it has been classified as a Variant of Uncertain Significance.